The following is an entry in ClinVar:

ClinVar aggregate classification (germline): Uncertain significance (1 of 4 stars; one submission).

Allele frequency attached by ClinVar (database versions not stated): gnomAD exomes below 0.00001.
gnomAD v4.1: 2 of 1,581,226 alleles (0.00013%); highest among the groups gnomAD compares: South Asian, 0.0012%; no homozygotes.

Submission:

Labcorp Genetics (formerly Invitae), Labcorp
Classification: Uncertain significance. Last evaluated: 2022-10-17. Review status: criteria provided, single submitter. Criteria: Invitae Variant Classification Sherloc (09022015). Collection method: clinical testing. Allele origin: germline.
Comment: In summary, the available evidence is currently insufficient to determine the role of this variant in disease. Therefore, it has been classified as a Variant of Uncertain Significance. Advanced modeling of protein sequence and biophysical properties (such as structural, functional, and spatial information, amino acid conservation, physicochemical variation, residue mobility, and thermodynamic stability) performed at Invitae indicates that this missense variant is not expected to disrupt PDE6B protein function. ClinVar contains an entry for this variant (Variation ID: 1492572). This variant has not been reported in the literature in individuals affected with PDE6B-related conditions. This variant is not present in population databases (gnomAD no frequency). This sequence change replaces isoleucine, which is neutral and non-polar, with valine, which is neutral and non-polar, at codon 554 of the PDE6B protein (p.Ile554Val).

NM_000283.4(PDE6B):c.1660A>G (p.Ile554Val)

Gene: PDE6B (phosphodiesterase 6B; plus strand). Cytogenetic location: 4p16.3.
Variant type: single nucleotide variant.
Coding change: c.1660A>G on transcript NM_000283.4 (MANE Select); coding-DNA position 1660, A replaced by G.
Protein change: p.Ile554Val; replaces isoleucine 554 with valine.
Molecular consequence: missense variant.
Genome position (GRCh38, 1-based): chr4:662,179, A>G. VCF-style: chr4-662179-A-G. GRCh37 (hg19) VCF-style: chr4-655968-A-G.
Other names: c.1660A>G, p.Ile554Val (NM_001145291.2); c.823A>G, p.Ile275Val (NM_001145292.2, NM_001350154.3, NM_001379246.1 and 1 more transcripts); c.505A>G, p.Ile169Val (NM_001350155.3); short protein forms I169V, I554V, I275V.
Identifiers: ClinVar variation 1492572 (VCV001492572.6), dbSNP rs1293093659, ClinGen allele CA355916882.